The following is an entry in ClinVar:

NM_152743.4(BRAT1):c.282+3G>A

Gene: BRAT1 (BRCA1 associated ATM activator 1; minus strand). Cytogenetic location: 7p22.3.
Variant type: single nucleotide variant.
Coding change: c.282+3G>A on transcript NM_152743.4 (MANE Select); 3 bases into the intron after coding-DNA position 282, G replaced by A.
Molecular consequence: intron variant.
Genome position (GRCh38, 1-based): chr7:2,547,321, C>T on the plus strand (G>A on the coding strand, the complement: BRAT1 is on the minus strand). VCF-style: chr7-2547321-C-T. GRCh37 (hg19) VCF-style: chr7-2586955-C-T.
Other names: c.-96+3G>A (NM_001350627.2); c.282+3G>A (NM_001350626.2).
Identifiers: ClinVar variation 1399361 (VCV001399361.5), dbSNP rs760173560, ClinGen allele CA152676407.

ClinVar aggregate classification (germline): Uncertain significance (1 of 4 stars; one submission).

Conditions:
Neonatal-onset encephalopathy with rigidity and seizures. Also called: Lethal neonatal spasticity-epileptic encephalopathy syndrome. Identifiers: Orphanet 435845, MedGen C3281029, MONDO:0013784, OMIM 614498.

Allele frequency attached by ClinVar (database versions not stated): gnomAD exomes 0.00001 and 0.00002.
gnomAD v4.1: 28 of 1,614,062 alleles (0.0017%); highest among the groups gnomAD compares: Non-Finnish European, 0.002%; no homozygotes.

Submission:

Labcorp Genetics (formerly Invitae), Labcorp
Classification: Uncertain significance for Neonatal-onset encephalopathy with rigidity and seizures. Last evaluated: 2021-02-19. Review status: criteria provided, single submitter. Criteria: Invitae Variant Classification Sherloc (09022015). Collection method: clinical testing. Allele origin: germline.
Comment: This variant is not present in population databases (ExAC no frequency). This variant has not been reported in the literature in individuals with BRAT1-related conditions. Nucleotide substitutions within the consensus splice site are a relatively common cause of aberrant splicing (PMID: 17576681, 9536098). Algorithms developed to predict the effect of sequence changes on RNA splicing suggest that this variant is not likely to affect RNA splicing, but this prediction has not been confirmed by published transcriptional studies. In summary, the available evidence is currently insufficient to determine the role of this variant in disease. Therefore, it has been classified as a Variant of Uncertain Significance. This sequence change falls in intron 3 of the BRAT1 gene. It does not directly change the encoded amino acid sequence of the BRAT1 protein. It affects a nucleotide within the consensus splice site of the intron.

Literature cited by the submitters: PubMed 17576681; PubMed 9536098.